The following is an entry in ClinVar:

NM_006160.4(NEUROD2):c.1052G>T (p.Gly351Val)

Gene: NEUROD2 (neuronal differentiation 2; minus strand). Cytogenetic location: 17q12.
Variant type: single nucleotide variant.
Coding change: c.1052G>T on transcript NM_006160.4 (MANE Select); coding-DNA position 1052, G replaced by T.
Protein change: p.Gly351Val; replaces glycine 351 with valine.
Molecular consequence: missense variant.
Genome position (GRCh38, 1-based): chr17:39,605,548, C>A on the plus strand (G>T on the coding strand, the complement: NEUROD2 is on the minus strand). VCF-style: chr17-39605548-C-A. GRCh37 (hg19) VCF-style: chr17-37761801-C-A.
Other names: short protein forms G351V.
Identifiers: ClinVar variation 3731070 (VCV003731070.1).

ClinVar aggregate classification (germline): Uncertain significance (1 of 4 stars; one submission).

Submission:

GeneDx
Classification: Uncertain significance. Last evaluated: 2024-08-12. Review status: criteria provided, single submitter. Criteria: GeneDx Variant Classification Process June 2021. Collection method: clinical testing. Allele origin: germline. Affected: yes.
Comment: Not observed at significant frequency in large population cohorts (gnomAD); In silico analysis indicates that this missense variant does not alter protein structure/function; Has not been previously published as pathogenic or benign to our knowledge